The following is an entry in ClinVar:

ClinVar aggregate classification (germline): Uncertain significance. Review status: criteria provided, multiple submitters, no conflicts (2 of 4 stars). 2 submissions from 2 submitters: Uncertain significance (2). Last evaluated 2023-06-30.

Allele frequency attached by ClinVar (database versions not stated): TOPMed 0.00002.
gnomAD v4.1: 15 of 1,614,030 alleles (0.00093%); highest among the groups gnomAD compares: African/African-American, 0.0067%; no homozygotes.

Submissions (2):

Mayo Clinic Laboratories, Mayo Clinic
Classification: Uncertain significance. Last evaluated: 2023-06-30. Review status: criteria provided, single submitter. Criteria: ACMG Guidelines, 2015. Collection method: clinical testing. Allele origin: germline. Observed: 1 variant allele.
Comment: BP4, PM2_moderate

Labcorp Genetics (formerly Invitae), Labcorp
Classification: Uncertain significance. Last evaluated: 2022-02-22. Review status: criteria provided, single submitter. Criteria: Invitae Variant Classification Sherloc (09022015). Collection method: clinical testing. Allele origin: germline.
Comment: This sequence change replaces threonine, which is neutral and polar, with methionine, which is neutral and non-polar, at codon 232 of the COQ8B protein (p.Thr232Met). This variant is present in population databases (rs370082401, gnomAD 0.007%). This variant has not been reported in the literature in individuals affected with COQ8B-related conditions. Advanced modeling of protein sequence and biophysical properties (such as structural, functional, and spatial information, amino acid conservation, physicochemical variation, residue mobility, and thermodynamic stability) performed at Invitae indicates that this missense variant is not expected to disrupt COQ8B protein function. In summary, the available evidence is currently insufficient to determine the role of this variant in disease. Therefore, it has been classified as a Variant of Uncertain Significance.

NM_024876.4(COQ8B):c.695C>T (p.Thr232Met)

Gene: COQ8B (coenzyme Q8B; minus strand). Cytogenetic location: 19q13.2.
Variant type: single nucleotide variant.
Coding change: c.695C>T on transcript NM_024876.4 (MANE Select); coding-DNA position 695, C replaced by T.
Protein change: p.Thr232Met; replaces threonine 232 with methionine.
Molecular consequence: missense variant.
Genome position (GRCh38, 1-based): chr19:40,703,737, G>A on the plus strand (C>T on the coding strand, the complement: COQ8B is on the minus strand). VCF-style: chr19-40703737-G-A. GRCh37 (hg19) VCF-style: chr19-41209642-G-A.
Other names: p.Thr232Met; c.572C>T, p.Thr191Met (NM_001142555.3); short protein forms T191M, T232M.
Identifiers: ClinVar variation 1943446 (VCV001943446.3), dbSNP rs370082401, ClinGen allele CA9450332.